The following is an entry in ClinVar:

ClinVar aggregate classification (germline): Likely benign. Review status: criteria provided, multiple submitters, no conflicts (2 of 4 stars). 5 submissions from 5 submitters: Likely benign (5). Last evaluated 2026-01-14.

Conditions:
Familial thoracic aortic aneurysm and aortic dissection (TAAD). Also called: Thoracic aortic aneurysms and dissections. Identifiers: Orphanet 91387, MedGen C4707243, MONDO:0019625.
Aneurysm-osteoarthritis syndrome. Also called: SMAD3-Related Loeys-Dietz Syndrome; ANEURYSMS-OSTEOARTHRITIS SYNDROME; Loeys-Dietz syndrome, type 1C; LOEYS-DIETZ SYNDROME WITH OSTEOARTHRITIS. Identifiers: Orphanet 284984, MedGen C3151087, MONDO:0013426, OMIM 613795.

Submissions (5):

Labcorp Genetics (formerly Invitae), Labcorp
Classification: Likely benign for Familial thoracic aortic aneurysm and aortic dissection. Last evaluated: 2026-01-14. Review status: criteria provided, single submitter. Criteria: Invitae Variant Classification Sherloc (09022015). Collection method: clinical testing. Allele origin: germline.

Molecular Diagnostic Laboratory for Inherited Cardiovascular Disease, Montreal Heart Institute
Classification: Likely benign. Last evaluated: 2025-04-09. Review status: criteria provided, single submitter. Criteria: ACMG Guidelines, 2015. Collection method: clinical testing. Allele origin: germline. Affected: no.

All of Us Research Program, National Institutes of Health
Classification: Likely benign for Aneurysm-osteoarthritis syndrome. Last evaluated: 2023-06-15. Review status: criteria provided, single submitter. Criteria: ACMG Guidelines, 2015. Collection method: clinical testing. Allele origin: germline. Inheritance: Autosomal dominant inheritance. Observed: 1 variant allele, 1 heterozygote.
Comment: This study involves interpretation of variants in research participants for the purpose of population health screening. Participant phenotype was not available at the time of variant classification. Additional details can be found in publication PMID: 35346344, PMCID: PMC8962531

Ambry Genetics
Classification: Likely benign for Familial thoracic aortic aneurysm and aortic dissection. Last evaluated: 2020-06-24. Review status: criteria provided, single submitter. Criteria: Ambry Variant Classification Scheme 2023. Collection method: clinical testing. Allele origin: germline.

Color Diagnostics, LLC DBA Color Health
Classification: Likely benign for Familial thoracic aortic aneurysm and aortic dissection. Last evaluated: 2020-01-29. Review status: criteria provided, single submitter. Criteria: ACMG Guidelines, 2015. Collection method: clinical testing. Allele origin: germline.

NM_005902.4(SMAD3):c.309A>T (p.Leu103=)

Gene: SMAD3 (SMAD family member 3; plus strand). Cytogenetic location: 15q22.33.
Variant type: single nucleotide variant.
Coding change: c.309A>T on transcript NM_005902.4 (MANE Select); coding-DNA position 309, A replaced by T.
Protein change: p.Leu103=; no amino-acid change (leucine 103 retained).
Molecular consequence: synonymous variant. On other transcripts: 5 prime UTR variant (1).
Genome position (GRCh38, 1-based): chr15:67,164,997, A>T. VCF-style: chr15-67164997-A-T. GRCh37 (hg19) VCF-style: chr15-67457335-A-T.
Other names: c.-7A>T (NM_001145102.2); c.177A>T, p.Leu59= (NM_001145103.2).
Identifiers: ClinVar variation 413480 (VCV000413480.16), dbSNP rs1065080, ClinGen allele CA16614882.
Genomic context (GRCh38, chr15:67,164,997, plus strand): 5'-CCCTCATGTCATCTACTGCCGCCTGTGGCGATGGCCAGACCTGCACAGCCACCACGAGCT[A>T]CGGGCCATGGAGCTGTGTGAGTTCGCCTTCAATATGAAGAAGGACGAGGTCTGCGTGAAT-3'
Protein context (NP_005893.1, residues 93-113): RWPDLHSHHE[Leu103=]RAMELCEFAF